The following is an entry in ClinVar:

NM_013275.6(ANKRD11):c.3597_3598del (p.Lys1200fs)

Gene: ANKRD11 (ankyrin repeat domain 11; minus strand). Cytogenetic location: 16q24.3.
Variant type: Microsatellite.
Coding change: c.3597_3598del on transcript NM_013275.6 (MANE Select); coding-DNA positions 3597 to 3598, 2 bases deleted (GA; older notation c.3597_3598delGA).
Protein change: p.Lys1200fs; shifts the reading frame from lysine 1200.
Molecular consequence: frameshift variant.
Genome position (GRCh38, 1-based): chr16:89,282,944-89,282,945, TC deleted on the plus strand (GA on the coding strand, the reverse complement: ANKRD11 is on the minus strand); deleting any 2 consecutive bases within chr16:89,282,944-89,282,948 gives the same sequence; the c. name uses the placement nearest the transcript's 3' end. VCF-style (leftmost placement, unchanged base first): chr16-89282943-TTC-T. GRCh37 (hg19) VCF-style: chr16-89349351-TTC-T.
Other names: c.3597_3598del, p.Lys1200fs (NM_001256182.2, NM_001256183.2); short protein forms K1200fs.
Identifiers: ClinVar variation 2429101 (VCV002429101.4), dbSNP rs2544236793, ClinGen allele CA2580613979.

ClinVar aggregate classification (germline): Likely pathogenic (1 of 4 stars; one submission).

Conditions:
KBG syndrome (KBGS). Also called: ANKRD11-Related KBG Syndrome. Identifiers: Orphanet 2332, MedGen C0220687, MONDO:0007846, OMIM 148050.

Submission:

Greenwood Genetic Center Diagnostic Laboratories, Greenwood Genetic Center
Classification: Likely pathogenic for KBG syndrome. Last evaluated: 2022-11-14. Review status: criteria provided, single submitter. Criteria: ACMG Guidelines, 2015. Collection method: clinical testing. Allele origin: germline. Affected: yes.
Comment: PVS1, PM2